The following is an entry in ClinVar:

ClinVar aggregate classification (germline): Uncertain significance (1 of 4 stars; one submission).

Submission:

GeneDx
Classification: Uncertain significance. Last evaluated: 2024-08-01. Review status: criteria provided, single submitter. Criteria: GeneDx Variant Classification Process June 2021. Collection method: clinical testing. Allele origin: germline. Affected: yes.
Comment: Not observed at significant frequency in large population cohorts (gnomAD); In-frame deletion of 2 amino acids in a non-repeat region; In silico analysis indicates that this variant does not alter protein structure/function; Has not been previously published as pathogenic or benign to our knowledge

NM_031372.4(HNRNPDL):c.303_308del (p.Ala103_Ala104del)

Gene: HNRNPDL (heterogeneous nuclear ribonucleoprotein D like; minus strand). Cytogenetic location: 4q21.22.
Variant type: Deletion.
Coding change: c.303_308del on transcript NM_031372.4 (MANE Select); coding-DNA positions 303 to 308, 6 bases deleted (TGCTGC; older notation c.303_308delTGCTGC).
Protein change: p.Ala103_Ala104del.
Molecular consequence: non-coding transcript variant (on NR_003249.2).
Genome position (GRCh38, 1-based): chr4:82,429,383-82,429,388, GCAGCA deleted on the plus strand (TGCTGC on the coding strand, the reverse complement: HNRNPDL is on the minus strand); deleting any 6 consecutive bases within chr4:82,429,383-82,429,390 gives the same sequence; the c. name uses the placement nearest the transcript's 3' end. VCF-style (leftmost placement, unchanged base first): chr4-82429382-GGCAGCA-G. GRCh37 (hg19) VCF-style: chr4-83350535-GGCAGCA-G.
Other names: c.303_308del, p.Ala103_Ala104del (NM_001207000.1).
Identifiers: ClinVar variation 3602559 (VCV003602559.1).
Genomic context (GRCh38, chr4:82,429,382, plus strand): 5'-CATATCCTCCATAGTGACGGAGCTGTCGGCAGGGGGGTGCTGGCGCGCAGTCCGGGTCGC[GGCAGCA>G]GCGGCGGCGGAGCGTTGTATGGAGCTGGATTTAAAATGGCGGCGGAAGAGATCCGGGCGC-3'